The following is an entry in ClinVar:

NM_000204.5(CFI):c.651del (p.Ala219fs)

Gene: CFI (complement factor I; minus strand). Cytogenetic location: 4q25.
Variant type: Deletion.
Coding change: c.651del on transcript NM_000204.5 (MANE Select); coding-DNA position 651, one base deleted (G; older notation c.651delG).
Protein change: p.Ala219fs; shifts the reading frame from alanine 219.
Molecular consequence: frameshift variant. On other transcripts: non-coding transcript variant (3).
Genome position (GRCh38, 1-based): chr4:109,761,524, C deleted on the plus strand (G on the coding strand, the reverse complement: CFI is on the minus strand). VCF-style (leftmost placement, unchanged base first): chr4-109761523-TC-T. GRCh37 (hg19) VCF-style: chr4-110682679-TC-T.
Other names: c.651del, p.Ala219fs (NM_001318057.2, NM_001331035.2, NM_001375278.1 and 10 more transcripts); c.42del, p.Ala16fs (NM_001375284.1); short protein forms A16fs, A219fs.
Identifiers: ClinVar variation 4280562 (VCV004280562.1).

ClinVar aggregate classification (germline): Pathogenic (1 of 4 stars; one submission).

Conditions:
Atypical hemolytic-uremic syndrome. Identifiers: Orphanet 2134, MedGen C2931788, MONDO:0016244.

Submission:

Genomenon, Inc
Classification: Pathogenic for Atypical hemolytic-uremic syndrome. Last evaluated: 2025-09-26. Review status: criteria provided, single submitter. Criteria: Genomenon Sequence Variant Interpretation Standards - Updated. Collection method: curation. Allele origin: germline. Affected: yes.
Comment: CFI p.Ala219GlnfsTer12 (c.651del) is a frameshift variant that results in the production of a truncated protein which is predicted to undergo nonsense-mediated mRNA decay. This variant has been observed in at least one proband affected with atypical hemolytic-uremic syndrome (PMID:30916388;27268256). It is absent or not present at a significant frequency in gnomAD. In conclusion, we classify CFI p.Ala219GlnfsTer12 (c.651del) as a pathogenic variant.

Literature cited by the submitters: PubMed 30916388; 27268256.